The following is an entry in ClinVar:

NM_018979.4(WNK1):c.7084T>G (p.Phe2362Val)

Gene: WNK1 (WNK lysine deficient protein kinase 1; plus strand). Cytogenetic location: 12p13.33.
Variant type: single nucleotide variant.
Coding change: c.7084T>G on transcript NM_018979.4 (MANE Select); coding-DNA position 7084, T replaced by G.
Protein change: p.Phe2362Val; replaces phenylalanine 2362 with valine.
Molecular consequence: missense variant.
Genome position (GRCh38, 1-based): chr12:908,727, T>G. VCF-style: chr12-908727-T-G. GRCh37 (hg19) VCF-style: chr12-1017893-T-G.
Other names: c.7864T>G, p.Phe2622Val (NM_001184985.2); c.6340T>G, p.Phe2114Val (NM_014823.3); c.7840T>G, p.Phe2614Val (NM_213655.5); short protein forms F2114V, F2622V, F2362V, F2614V.
Identifiers: ClinVar variation 1346857 (VCV001346857.8), dbSNP rs2154104648, ClinGen allele CA383341416.

ClinVar aggregate classification (germline): Uncertain significance (1 of 4 stars; one submission).

Conditions:
Neuropathy, hereditary sensory and autonomic, type 2A (HSAN2A). Also called: WNK1-Related HSAN2 (HSAN2A); MORVAN DISEASE; NEUROPATHY, CONGENITAL SENSORY; NEUROPATHY, HEREDITARY SENSORY RADICULAR, AUTOSOMAL RECESSIVE; NEUROPATHY, HEREDITARY SENSORY, TYPE IIA; NEUROPATHY, PROGRESSIVE SENSORY, OF CHILDREN. Identifiers: Orphanet 970, MedGen C2752089, MONDO:0024309, OMIM 201300.
Pseudohypoaldosteronism type 2C (PHA2C). Also called: Pseudohypoaldosteronism Type IIC. Identifiers: Orphanet 757, Orphanet 88940, MedGen C1840391, MONDO:0013778, OMIM 614492.

Submission:

Labcorp Genetics (formerly Invitae), Labcorp
Classification: Uncertain significance for Neuropathy, hereditary sensory and autonomic, type 2A; Pseudohypoaldosteronism type 2C. Last evaluated: 2021-04-20. Review status: criteria provided, single submitter. Criteria: Invitae Variant Classification Sherloc (09022015). Collection method: clinical testing. Allele origin: germline.
Comment: This sequence change replaces phenylalanine with valine at codon 2614 of the WNK1 protein (p.Phe2614Val). The phenylalanine residue is highly conserved and there is a small physicochemical difference between phenylalanine and valine. In summary, the available evidence is currently insufficient to determine the role of this variant in disease. Therefore, it has been classified as a Variant of Uncertain Significance. Advanced modeling of protein sequence and biophysical properties (such as structural, functional, and spatial information, amino acid conservation, physicochemical variation, residue mobility, and thermodynamic stability) performed at Invitae indicates that this missense variant is not expected to disrupt WNK1 protein function. This variant has not been reported in the literature in individuals with WNK1-related conditions. This variant is not present in population databases (ExAC no frequency).